The following is an entry in ClinVar:

NM_016562.4(TLR7):c.1343C>T (p.Ala448Val)

Gene: TLR7 (toll like receptor 7; plus strand). Cytogenetic location: Xp22.2.
Variant type: single nucleotide variant.
Coding change: c.1343C>T on transcript NM_016562.4 (MANE Select); coding-DNA position 1343, C replaced by T.
Protein change: p.Ala448Val; replaces alanine 448 with valine.
Molecular consequence: missense variant.
Genome position (GRCh38, 1-based): chrX:12,886,851, C>T. VCF-style: chrX-12886851-C-T. GRCh37 (hg19) VCF-style: chrX-12904970-C-T.
Other names: p.Ala448Val; short protein forms A448V.
Identifiers: ClinVar variation 787154 (VCV000787154.35), dbSNP rs5743781, ClinGen allele CA10350010.

ClinVar aggregate classification (germline): Benign/Likely benign. Review status: criteria provided, multiple submitters, no conflicts (2 of 4 stars). 5 submissions from 5 submitters: Benign (3); Likely benign (1). 1 of the submissions does not count toward it. Last evaluated 2026-08-01.

Conditions:
TLR7-related disorder. Also called: TLR7-related condition.

Allele frequency attached by ClinVar (database versions not stated): 1000 Genomes Project 30x 0.00208; 1000 Genomes Project 0.00212; TOPMed 0.00268; gnomAD 0.00282 and 0.00288; ESP Exome Variant Server 0.00284; gnomAD exomes 0.00290; ExAC 0.00323.
gnomAD v4.1: 5,025 of 1,208,256 alleles (0.42%); highest among the groups gnomAD compares: Non-Finnish European, 0.51%; 24 homozygotes.

Submissions (5):

CeGaT Center for Human Genetics Tuebingen
Classification: Benign. Last evaluated: 2026-08-01. Review status: criteria provided, single submitter. Criteria: CeGaT Center For Human Genetics Tuebingen Variant Classification Criteria Version 2. Collection method: clinical testing. Allele origin: germline. Affected: yes. Observed: 13 variant alleles.
Comment: TLR7: BP4, BS1, BS2

Labcorp Genetics (formerly Invitae), Labcorp
Classification: Benign. Last evaluated: 2026-02-02. Review status: criteria provided, single submitter. Criteria: Invitae Variant Classification Sherloc (09022015). Collection method: clinical testing. Allele origin: germline.

Mayo Clinic Laboratories, Mayo Clinic
Classification: Likely benign. Last evaluated: 2025-03-19. Review status: criteria provided, single submitter. Criteria: ACMG Guidelines, 2015. Collection method: clinical testing. Allele origin: germline. Observed: 6 variant alleles.
Comment: BS2, BP4

Breakthrough Genomics
Classification: Benign. Review status: criteria provided, single submitter. Criteria: ACMG Guidelines, 2015. Collection method: not provided. Allele origin: germline. Inheritance: X-linked inheritance. Affected: yes.

PreventionGenetics, part of Exact Sciences
Classification: Likely benign for TLR7-related condition. Last evaluated: 2024-01-04. Review status: no assertion criteria provided. Collection method: clinical testing. Allele origin: germline. Not counted in ClinVar's aggregate classification.
Comment: This variant is classified as likely benign based on ACMG/AMP sequence variant interpretation guidelines (Richards et al. 2015 PMID: 25741868, with internal and published modifications).

Literature cited by the submitters: PubMed 34952932 (cited by Mayo Clinic Laboratories, Mayo Clinic).